The following is an entry in ClinVar:

NM_024301.5(FKRP):c.962C>A (p.Ala321Glu)

Gene: FKRP (fukutin related protein; plus strand). Cytogenetic location: 19q13.32.
Variant type: single nucleotide variant.
Coding change: c.962C>A on transcript NM_024301.5 (MANE Select); coding-DNA position 962, C replaced by A.
Protein change: p.Ala321Glu; replaces alanine 321 with glutamic acid.
Molecular consequence: missense variant.
Genome position (GRCh38, 1-based): chr19:46,756,412, C>A. VCF-style: chr19-46756412-C-A. GRCh37 (hg19) VCF-style: chr19-47259669-C-A.
Other names: c.962C>A, p.Ala321Glu (NM_001039885.3); short protein forms A321E.
Identifiers: ClinVar variation 930906 (VCV000930906.11), dbSNP rs745882222, ClinGen allele CA9532217.
Genomic context (GRCh38, chr19:46,756,412, plus strand): 5'-TGGGCGACACGCCCGCCTACCTCTACGAGGAGCGCTGGACGCCCCCCTGCTGCCTGCGCG[C>A]GCTGCGCGAGACCGCCCGCTATGTGGTGGGCGTGCTGGAGGCTGCGGGCGTGCGCTACTG-3'
Protein context (NP_077277.1, residues 311-331): ERWTPPCCLR[Ala321Glu]LRETARYVVG

ClinVar aggregate classification (germline): Pathogenic/Likely pathogenic. Review status: criteria provided, multiple submitters, no conflicts (2 of 4 stars). 5 submissions from 5 submitters: Pathogenic (3); Likely pathogenic (1). 1 of the submissions does not count toward it. Last evaluated 2025-04-08.

Conditions:
Muscular dystrophy-dystroglycanopathy type B5 (MDDGB5). Also called: MUSCULAR DYSTROPHY-DYSTROGLYCANOPATHY (CONGENITAL WITH OR WITHOUT IMPAIRED INTELLECTUAL DEVELOPMENT), TYPE B, 5; MUSCULAR DYSTROPHY, CONGENITAL, 1C; MUSCULAR DYSTROPHY, CONGENITAL, FKRP-RELATED. Identifiers: MedGen C1847759, MONDO:0011688, OMIM 606612.
Muscular dystrophy-dystroglycanopathy (congenital with brain and eye anomalies), type A5. Also called: WALKER-WARBURG SYNDROME OR MUSCLE-EYE-BRAIN DISEASE, FKRP-RELATED; MUSCULAR DYSTROPHY-DYSTROGLYCANOPATHY (CONGENITAL WITH BRAIN AND EYE ANOMALIES), TYPE A, 5. Identifiers: Orphanet 588, Orphanet 899, MedGen C3150413, MONDO:0013157, OMIM 613153.
Myopathy caused by variation in FKRP. Identifiers: MedGen CN305637, MONDO:0700066.
FKRP-related disorder. Also called: FKRP-related condition.
Walker-Warburg congenital muscular dystrophy. Also called: Muscular dystrophy-dystroglycanopathy, type A; Walker-Warburg syndrome. Identifiers: Orphanet 899, MedGen C0265221, MONDO:0000171.

Allele frequency attached by ClinVar (database versions not stated): gnomAD 0.00001; gnomAD exomes 0.00003 and 0.00004; ExAC 0.00009.
gnomAD v4.1: 17 of 1,575,130 alleles (0.0011%); no homozygotes.

Submissions (5):

Myriad Genetics, Inc.
Classification: Likely pathogenic for Myopathy caused by variation in FKRP. Last evaluated: 2025-04-08. Review status: criteria provided, single submitter. Criteria: Myriad Autosomal Dominant, Autosomal Recessive and X-Linked Classification Criteria (2023). Collection method: clinical testing. Allele origin: unknown.
Comment: NM_024301.4(FKRP):c.962C>A(A321E) is a missense variant classified as likely pathogenic in the context of FKRP-related disorders. A321E has been observed in cases with relevant disease (PMID: 36522254). Relevant functional assessments of this variant are available in the literature (PMID: 31268217). A321E has been observed in referenced population frequency databases. In summary, NM_024301.4(FKRP):c.962C>A(A321E) is a missense variant that has been observed more frequently in cases with the relevant disease than in healthy populations. Please note: this variant was assessed in the context of healthy population screening.

Blueprint Genetics
Classification: Pathogenic for FKRP-related disorders. Last evaluated: 2024-10-08. Review status: criteria provided, single submitter. Criteria: ACMG Guidelines, 2015. Collection method: clinical testing. Allele origin: germline. Affected: yes. Observed: 3 variant alleles.

Labcorp Genetics (formerly Invitae), Labcorp
Classification: Pathogenic for Walker-Warburg congenital muscular dystrophy. Last evaluated: 2023-06-27. Review status: criteria provided, single submitter. Criteria: Invitae Variant Classification Sherloc (09022015). Collection method: clinical testing. Allele origin: germline.
Comment: This variant is present in population databases (rs745882222, gnomAD 0.03%). For these reasons, this variant has been classified as Pathogenic. Experimental studies have shown that this missense change affects FKRP function (PMID: 31268217). Advanced modeling of protein sequence and biophysical properties (such as structural, functional, and spatial information, amino acid conservation, physicochemical variation, residue mobility, and thermodynamic stability) performed at Invitae indicates that this missense variant is expected to disrupt FKRP protein function. ClinVar contains an entry for this variant (Variation ID: 930906). This missense change has been observed in individual(s) with limb-girdle muscular dystrophy (PMID: 16143867, 20961759). In at least one individual the data is consistent with being in trans (on the opposite chromosome) from a pathogenic variant. It has also been observed to segregate with disease in related individuals. This sequence change replaces alanine, which is neutral and non-polar, with glutamic acid, which is acidic and polar, at codon 321 of the FKRP protein (p.Ala321Glu).

Baylor Genetics
Classification: Pathogenic for Muscular dystrophy-dystroglycanopathy (congenital with brain and eye anomalies), type A5. Last evaluated: 2023-03-27. Review status: criteria provided, single submitter. Criteria: ACMG Guidelines, 2015. Collection method: clinical testing. Allele origin: unknown.

Centre for Mendelian Genomics, University Medical Centre Ljubljana
Classification: Uncertain significance for Muscular dystrophy-dystroglycanopathy type B5. Last evaluated: 2020-03-09. Review status: flagged submission. Criteria: ACMG Guidelines, 2015. Collection method: clinical testing. Allele origin: unknown. Affected: yes. Not counted in ClinVar's aggregate classification.
Comment: This variant was classified as: Uncertain significance. The available evidence favors the pathogenic nature of this variant, however the currently available data is insufficient to conclusively support its pathogenic nature. Thus this variant is classified as Uncertain significance - favor pathogenic. The following ACMG criteria were applied in classifying this variant: PM2,PP3,PP5.
ClinVar note: Reason: Older and outlier claim with insufficient supporting evidence

Literature cited by the submitters: PubMed 31268217 (cited by Myriad Genetics, Inc. and Labcorp Genetics (formerly Invitae), Labcorp); PubMed 36522254 (cited by Myriad Genetics, Inc.); PubMed 16143867 (cited by Labcorp Genetics (formerly Invitae), Labcorp); PubMed 20961759 (cited by Labcorp Genetics (formerly Invitae), Labcorp).